The following is an entry in ClinVar:

NM_021098.3(CACNA1H):c.2876C>T (p.Ser959Phe)

Gene: CACNA1H (calcium voltage-gated channel subunit alpha1 H; plus strand). Cytogenetic location: 16p13.3.
Variant type: single nucleotide variant.
Coding change: c.2876C>T on transcript NM_021098.3 (MANE Select); coding-DNA position 2876, C replaced by T.
Protein change: p.Ser959Phe; replaces serine 959 with phenylalanine.
Molecular consequence: missense variant.
Genome position (GRCh38, 1-based): chr16:1,207,087, C>T. VCF-style: chr16-1207087-C-T. GRCh37 (hg19) VCF-style: chr16-1257087-C-T.
Other names: c.2876C>T, p.Ser959Phe (NM_001005407.2); short protein forms S959F.
Identifiers: ClinVar variation 1182264 (VCV001182264.3), dbSNP rs1390579046, ClinGen allele CA394170148.

ClinVar aggregate classification (germline): Uncertain significance (1 of 4 stars; one submission).

Allele frequency attached by ClinVar (database versions not stated): TOPMed below 0.00001.

Submission:

GeneDx
Classification: Uncertain significance. Last evaluated: 2026-10-01. Review status: criteria provided, single submitter. Criteria: GeneDx Variant Classification Process June 2021. Collection method: clinical testing. Allele origin: germline.
Comment: Not observed at significant frequency in large population cohorts (gnomAD); In silico analysis supports that this missense variant has a deleterious effect on protein structure/function; Has not been previously published as pathogenic or benign to our knowledge